The following is an entry in ClinVar:

ClinVar aggregate classification (germline): Uncertain significance. Review status: criteria provided, multiple submitters, no conflicts (2 of 4 stars). 2 submissions from 2 submitters: Uncertain significance (2). Last evaluated 2025-07-10.

Conditions:
Inborn genetic diseases. Identifiers: MedGen C0950123, MeSH D030342.

Allele frequency attached by ClinVar (database versions not stated): gnomAD 0.00002; TOPMed 0.00002; ExAC 0.00003; ESP Exome Variant Server 0.00008.
gnomAD v4.1: 44 of 1,613,922 alleles (0.0027%); highest among the groups gnomAD compares: East Asian, 0.022%; no homozygotes.

Submissions (2):

Ambry Genetics
Classification: Uncertain significance for Inborn genetic diseases. Last evaluated: 2025-07-10. Review status: criteria provided, single submitter. Criteria: Ambry Variant Classification Scheme 2023. Collection method: clinical testing. Allele origin: germline.

Labcorp Genetics (formerly Invitae), Labcorp
Classification: Uncertain significance. Last evaluated: 2022-05-27. Review status: criteria provided, single submitter. Criteria: Invitae Variant Classification Sherloc (09022015). Collection method: clinical testing. Allele origin: germline.
Comment: This sequence change replaces alanine, which is neutral and non-polar, with threonine, which is neutral and polar, at codon 256 of the MDH2 protein (p.Ala256Thr). This variant is present in population databases (rs147655350, gnomAD 0.05%). This missense change has been observed in individual(s) with pheochromocytoma (PMID: 30008476). Algorithms developed to predict the effect of missense changes on protein structure and function (SIFT, PolyPhen-2, Align-GVGD) all suggest that this variant is likely to be disruptive. Experimental studies are conflicting or provide insufficient evidence to determine the effect of this variant on MDH2 function (PMID: 30008476). In summary, the available evidence is currently insufficient to determine the role of this variant in disease. Therefore, it has been classified as a Variant of Uncertain Significance.

Literature cited by the submitters: PubMed 30008476 (cited by Labcorp Genetics (formerly Invitae), Labcorp).

NM_005918.4(MDH2):c.766G>A (p.Ala256Thr)

Gene: MDH2 (malate dehydrogenase 2; plus strand). Cytogenetic location: 7q11.23.
Variant type: single nucleotide variant.
Coding change: c.766G>A on transcript NM_005918.4 (MANE Select); coding-DNA position 766, G replaced by A.
Protein change: p.Ala256Thr; replaces alanine 256 with threonine.
Molecular consequence: missense variant.
Genome position (GRCh38, 1-based): chr7:76,064,834, G>A. VCF-style: chr7-76064834-G-A. GRCh37 (hg19) VCF-style: chr7-75694152-G-A.
Other names: c.766G>A (NM_005918.2); c.640G>A, p.Ala214Thr (NM_001282403.2); c.445G>A, p.Ala149Thr (NM_001282404.2); short protein forms A149T, A214T, A256T.
Identifiers: ClinVar variation 2046575 (VCV002046575.2), dbSNP rs147655350, ClinGen allele CA4305706.